The following is an entry in ClinVar:

NM_016373.4(WWOX):c.231-20C>G

Gene: WWOX (WW domain containing oxidoreductase; plus strand). Cytogenetic location: 16q23.1.
Variant type: single nucleotide variant.
Coding change: c.231-20C>G on transcript NM_016373.4 (MANE Select); 20 bases into the intron before coding-DNA position 231, C replaced by G.
Molecular consequence: intron variant.
Genome position (GRCh38, 1-based): chr16:78,114,956, C>G. VCF-style: chr16-78114956-C-G. GRCh37 (hg19) VCF-style: chr16-78148853-C-G.
Other names: c.-109-20C>G (NM_001291997.2); c.231-20C>G (NM_130791.5).
Identifiers: ClinVar variation 383868 (VCV000383868.5), dbSNP rs768620458, ClinGen allele CA8183117.

ClinVar aggregate classification (germline): Likely benign. Review status: criteria provided, multiple submitters, no conflicts (2 of 4 stars). 3 submissions from 3 submitters: Likely benign (3). Last evaluated 2025-09-23.

Conditions:
Developmental and epileptic encephalopathy, 1 (DEE1). Also called: INFANTILE SPASM SYNDROME, X-LINKED 1; X-linked infantile spasms; West's syndrome; Tonic spasms with clustering, arrest of psychomotor development and hypsarrhythmia on EEG; X-Linked Infantile Spasm Syndrome; Epileptic encephalopathy, early infantile, 1. Identifiers: MedGen C3463992, MONDO:0010632, OMIM 308350. Disease mechanism: loss of function.
Autosomal recessive spinocerebellar ataxia 12. Also called: SPINOCEREBELLAR ATAXIA WITH MENTAL RETARDATION AND EPILEPSY. Identifiers: Orphanet 284282, MedGen C3280452, MONDO:0013687, OMIM 614322.

Allele frequency attached by ClinVar (database versions not stated): TOPMed below 0.00001; gnomAD 0.00001; ExAC 0.00002; gnomAD exomes 0.00002.
gnomAD v4.1: 14 of 1,613,998 alleles (0.00087%); highest among the groups gnomAD compares: Non-Finnish European, 0.0011%; no homozygotes.

Submissions (3):

Labcorp Genetics (formerly Invitae), Labcorp
Classification: Likely benign for Developmental and epileptic encephalopathy, 1; Autosomal recessive spinocerebellar ataxia 12. Last evaluated: 2025-09-23. Review status: criteria provided, single submitter. Criteria: Invitae Variant Classification Sherloc (09022015). Collection method: clinical testing. Allele origin: germline.

Blueprint Genetics
Classification: Likely benign. Last evaluated: 2024-10-14. Review status: criteria provided, single submitter. Criteria: ACMG Guidelines, 2015. Collection method: clinical testing. Allele origin: germline.

GeneDx
Classification: Likely benign. Last evaluated: 2016-02-15. Review status: criteria provided, single submitter. Criteria: GeneDx Variant Classification (06012015). Collection method: clinical testing. Allele origin: germline. Affected: yes.
Comment: This variant is considered likely benign or benign based on one or more of the following criteria: it is a conservative change, it occurs at a poorly conserved position in the protein, it is predicted to be benign by multiple in silico algorithms, and/or has population frequency not consistent with disease.